The following is an entry in ClinVar:

ClinVar aggregate classification (germline): Uncertain significance. Review status: criteria provided, multiple submitters, no conflicts (2 of 4 stars). 2 submissions from 2 submitters: Uncertain significance (2). Last evaluated 2025-09-27.

Conditions:
Developmental and epileptic encephalopathy, 42 (DEE42A). Also called: DEVELOPMENTAL AND EPILEPTIC ENCEPHALOPATHY 42A; EPILEPTIC ENCEPHALOPATHY, EARLY INFANTILE, 42A; Epileptic encephalopathy, early infantile, 42. Identifiers: MedGen C4310716, MONDO:0014917, OMIM 617106.
Episodic ataxia type 2 (EA2). Also called: ATAXIA, EPISODIC, WITH NYSTAGMUS; ATAXIA, FAMILIAL PAROXYSMAL; CEREBELLAR ATAXIA, PAROXYSMAL, ACETAZOLAMIDE-RESPONSIVE; CEREBELLOPATHY, HEREDITARY PAROXYSMAL; EPISODIC ATAXIA, NYSTAGMUS-ASSOCIATED; ACETAZOLAMIDE-RESPONSIVE HEREDITARY PAROXYSMAL CEREBELLAR ATAXIA. Identifiers: Orphanet 97, MedGen C1720416, MONDO:0007163, OMIM 108500.
Inborn genetic diseases. Identifiers: MedGen C0950123, MeSH D030342.

Allele frequency attached by ClinVar (database versions not stated): gnomAD exomes below 0.00001; gnomAD 0.00001.
gnomAD v4.1: 4 of 1,522,966 alleles (0.00026%); highest among the groups gnomAD compares: South Asian, 0.0049%; no homozygotes.

Submissions (2):

Ambry Genetics
Classification: Uncertain significance for Inborn genetic diseases. Last evaluated: 2025-09-27. Review status: criteria provided, single submitter. Criteria: Ambry Variant Classification Scheme 2023. Collection method: clinical testing. Allele origin: germline.

Labcorp Genetics (formerly Invitae), Labcorp
Classification: Uncertain significance for Developmental and epileptic encephalopathy, 42; Episodic ataxia type 2. Last evaluated: 2024-10-07. Review status: criteria provided, single submitter. Criteria: Invitae Variant Classification Sherloc (09022015). Collection method: clinical testing. Allele origin: germline.
Comment: This sequence change replaces histidine, which is basic and polar, with tyrosine, which is neutral and polar, at codon 956 of the CACNA1A protein (p.His956Tyr). This variant is not present in population databases (gnomAD no frequency). This variant has not been reported in the literature in individuals affected with CACNA1A-related conditions. ClinVar contains an entry for this variant (Variation ID: 1482601). Invitae Evidence Modeling of protein sequence and biophysical properties (such as structural, functional, and spatial information, amino acid conservation, physicochemical variation, residue mobility, and thermodynamic stability) indicates that this missense variant is not expected to disrupt CACNA1A protein function with a negative predictive value of 95%. In summary, the available evidence is currently insufficient to determine the role of this variant in disease. Therefore, it has been classified as a Variant of Uncertain Significance.

NM_001127222.2(CACNA1A):c.2863C>T (p.His955Tyr)

Gene: CACNA1A (calcium voltage-gated channel subunit alpha1 A; minus strand). Cytogenetic location: 19p13.13.
Variant type: single nucleotide variant.
Coding change: c.2863C>T on transcript NM_001127222.2 (MANE Select); coding-DNA position 2863, C replaced by T.
Protein change: p.His955Tyr; replaces histidine 955 with tyrosine.
Molecular consequence: missense variant.
Genome position (GRCh38, 1-based): chr19:13,298,770, G>A on the plus strand (C>T on the coding strand, the complement: CACNA1A is on the minus strand). VCF-style: chr19-13298770-G-A. GRCh37 (hg19) VCF-style: chr19-13409584-G-A.
Other names: c.2875C>T, p.His959Tyr (NM_000068.4, NM_023035.3); c.2866C>T, p.His956Tyr (NM_001127221.2, NM_001174080.2); c.2866C>T (NM_001127221.1); short protein forms H959Y, H955Y, H956Y.
Identifiers: ClinVar variation 1482601 (VCV001482601.9), dbSNP rs2057725846, ClinGen allele CA404342565.